The following is an entry in ClinVar:

NM_016532.4(INPP5K):c.1339C>T (p.Gln447Ter)

Gene: INPP5K (inositol polyphosphate-5-phosphatase K; minus strand). Cytogenetic location: 17p13.3.
Variant type: single nucleotide variant.
Coding change: c.1339C>T on transcript NM_016532.4 (MANE Select); coding-DNA position 1339, C replaced by T.
Protein change: p.Gln447Ter; replaces glutamine 447 with a stop codon.
Molecular consequence: nonsense.
Genome position (GRCh38, 1-based): chr17:1,495,831, G>A on the plus strand (C>T on the coding strand, the complement: INPP5K is on the minus strand). VCF-style: chr17-1495831-G-A. GRCh37 (hg19) VCF-style: chr17-1399125-G-A.
Other names: c.1111C>T, p.Gln371Ter (NM_001135642.2, NM_130766.3); short protein forms Q371*, Q447*.
Identifiers: ClinVar variation 3369257 (VCV003369257.1).

ClinVar aggregate classification (germline): Uncertain significance (1 of 4 stars; one submission).

Submission:

GeneDx
Classification: Uncertain significance. Last evaluated: 2024-02-26. Review status: criteria provided, single submitter. Criteria: GeneDx Variant Classification Process June 2021. Collection method: clinical testing. Allele origin: germline. Affected: yes.
Comment: Nonsense variant predicted to result in protein truncation as the last 2 amino acids are lost, although loss-of-function variants have not been reported downstream of this position in the protein; Not observed at significant frequency in large population cohorts (gnomAD); Has not been previously published as pathogenic or benign to our knowledge